The following is an entry in ClinVar:

ClinVar aggregate classification (germline): Benign/Likely benign. Review status: criteria provided, multiple submitters, no conflicts (2 of 4 stars). 6 submissions from 6 submitters: Benign (5); Likely benign (1). Last evaluated 2026-08-01.

Conditions:
Kidney disorder. Also called: Nephropathy; Kidney disease; Kidney Diseases; renal disorder; renal disease. Identifiers: MedGen C0022658, MONDO:0005240, HP:0000112.
Nephrotic syndrome, type 3 (NPHS3). Also called: NEPHROTIC SYNDROME, EARLY-ONSET, TYPE 3. Identifiers: Orphanet 656, MedGen C1853124, MONDO:0012546, OMIM 610725.

Allele frequency attached by ClinVar (database versions not stated): 1000 Genomes Project 0.00699; ESP Exome Variant Server 0.00749; TOPMed 0.00754; 1000 Genomes Project 30x 0.00765.
gnomAD v4.1: 2,247 of 1,613,718 alleles (0.14%); highest among the groups gnomAD compares: African/African-American, 2.4%; 25 homozygotes.

Submissions (6):

CeGaT Center for Human Genetics Tuebingen
Classification: Benign. Last evaluated: 2026-08-01. Review status: criteria provided, single submitter. Criteria: CeGaT Center For Human Genetics Tuebingen Variant Classification Criteria Version 2. Collection method: clinical testing. Allele origin: germline. Affected: yes. Observed: 2 variant alleles.
Comment: PLCE1: BP4, BS1, BS2

Labcorp Genetics (formerly Invitae), Labcorp
Classification: Benign. Last evaluated: 2025-12-23. Review status: criteria provided, single submitter. Criteria: Invitae Variant Classification Sherloc (09022015). Collection method: clinical testing. Allele origin: germline.

Athena Diagnostics
Classification: Benign. Last evaluated: 2019-02-11. Review status: criteria provided, single submitter. Criteria: Athena Diagnostics Criteria. Collection method: clinical testing. Allele origin: germline.

Illumina Laboratory Services, Illumina
Classification: Benign for Nephrotic syndrome, type 3. Last evaluated: 2018-01-13. Review status: criteria provided, single submitter. Criteria: ICSL Variant Classification Criteria 13 December 2019. Collection method: clinical testing. Allele origin: germline.
Comment: This variant was observed in the ICSL laboratory as part of a predisposition screen in an ostensibly healthy population. It had not been previously curated by ICSL or reported in the Human Gene Mutation Database (HGMD: prior to June 1st, 2018), and was therefore a candidate for classification through an automated scoring system. Utilizing variant allele frequency, disease prevalence and penetrance estimates, and inheritance mode, an automated score was calculated to assess if this variant is too frequent to cause the disease. Based on the score and internal cut-off values, a variant classified as benign is not then subjected to further curation. The score for this variant resulted in a classification of benign for this disease.

Genome Diagnostics Laboratory, The Hospital for Sick Children
Classification: Likely benign for Kidney disorder. Last evaluated: 2017-01-16. Review status: criteria provided, single submitter. Criteria: ACMG Guidelines, 2015. Collection method: clinical testing. Allele origin: germline.

Breakthrough Genomics
Classification: Benign. Review status: criteria provided, single submitter. Criteria: ACMG Guidelines, 2015. Collection method: not provided. Allele origin: germline. Inheritance: Autosomal recessive inheritance. Affected: yes.

Literature cited by the submitters: PubMed 22865593 (cited by Athena Diagnostics).

NM_016341.4(PLCE1):c.4733A>G (p.Asn1578Ser)

Genes: PLCE1 (phospholipase C epsilon 1; plus strand), PLCE1-AS1 (PLCE1 antisense RNA 1; minus strand). Cytogenetic location: 10q23.33.
Variant type: single nucleotide variant.
Coding change: c.4733A>G on transcript NM_016341.4 (MANE Select); coding-DNA position 4733, A replaced by G.
Protein change: p.Asn1578Ser; replaces asparagine 1578 with serine.
Molecular consequence: missense variant. On other transcripts: non-coding transcript variant (1).
Genome position (GRCh38, 1-based): chr10:94,279,849, A>G. VCF-style: chr10-94279849-A-G. GRCh37 (hg19) VCF-style: chr10-96039606-A-G.
Other names: c.3809A>G, p.Asn1270Ser (NM_001165979.2); c.4685A>G, p.Asn1562Ser (NM_001288989.2); short protein forms N1270S, N1562S, N1578S.
Identifiers: ClinVar variation 768379 (VCV000768379.25), dbSNP rs61732525, ClinGen allele CA5613219.